The following is an entry in ClinVar:

NM_000180.4(GUCY2D):c.2006C>G (p.Ser669Ter)

Gene: GUCY2D (guanylate cyclase 2D, retinal; plus strand). Cytogenetic location: 17p13.1.
Variant type: single nucleotide variant.
Coding change: c.2006C>G on transcript NM_000180.4 (MANE Select); coding-DNA position 2006, C replaced by G.
Protein change: p.Ser669Ter; replaces serine 669 with a stop codon.
Molecular consequence: nonsense.
Genome position (GRCh38, 1-based): chr17:8,012,499, C>G. VCF-style: chr17-8012499-C-G. GRCh37 (hg19) VCF-style: chr17-7915817-C-G.
Other names: short protein forms S669*.
Identifiers: ClinVar variation 1687295 (VCV001687295.1), dbSNP rs2151802518, ClinGen allele CA397952220.

ClinVar aggregate classification (germline): Likely pathogenic (1 of 4 stars; one submission).

Conditions:
Leber congenital amaurosis 1 (LCA1). Also called: AMAUROSIS CONGENITA OF LEBER I; RETINAL BLINDNESS, CONGENITAL; Congenital absence of the rods and cones; Leber's congenital tapetoretinal degeneration; Leber's congenital tapetoretinal dysplasia. Identifiers: Orphanet 65, MedGen C2931258, MONDO:0008764, OMIM 204000.

Submission:

3billion
Classification: Likely pathogenic for Leber congenital amaurosis 1. Last evaluated: 2022-05-22. Review status: criteria provided, single submitter. Criteria: ACMG Guidelines, 2015. Collection method: clinical testing. Allele origin: germline. Affected: yes. Observed: 1 heterozygote.
Comment: The substitution creates a nonsense variant, which is expected to cause a loss of normal protein function via nonsense-mediated mRNA decay. It is absent from the gnomAD v2.1.1 dataset. Therefore, this variant is classified as likely pathogenic according to the recommendation of ACMG/AMP guideline.